The following is an entry in ClinVar:

NM_000271.5(NPC1):c.2338G>A (p.Val780Met)

Gene: NPC1 (NPC intracellular cholesterol transporter 1; minus strand). Cytogenetic location: 18q11.2.
Variant type: single nucleotide variant.
Coding change: c.2338G>A on transcript NM_000271.5 (MANE Select); coding-DNA position 2338, G replaced by A.
Protein change: p.Val780Met; replaces valine 780 with methionine.
Molecular consequence: missense variant.
Genome position (GRCh38, 1-based): chr18:23,541,341, C>T on the plus strand (G>A on the coding strand, the complement: NPC1 is on the minus strand). VCF-style: chr18-23541341-C-T. GRCh37 (hg19) VCF-style: chr18-21121305-C-T.
Other names: short protein forms V780M.
Identifiers: ClinVar variation 2140371 (VCV002140371.3), dbSNP rs193182840, ClinGen allele CA8913142.

ClinVar aggregate classification (germline): Uncertain significance. Review status: criteria provided, multiple submitters, no conflicts (2 of 4 stars). 2 submissions from 2 submitters: Uncertain significance (2). Last evaluated 2022-07-19.

Conditions:
Niemann-Pick disease, type C1. Also called: NEUROVISCERAL STORAGE DISEASE WITH VERTICAL SUPRANUCLEAR OPHTHALMOPLEGIA; NIEMANN-PICK DISEASE WITH CHOLESTEROL ESTERIFICATION BLOCK; NIEMANN-PICK DISEASE WITHOUT SPHINGOMYELINASE DEFICIENCY; NIEMANN-PICK DISEASE, CHRONIC NEURONOPATHIC FORM; NIEMANN-PICK DISEASE, VARIANT TYPE C1. Identifiers: Orphanet 646, MedGen C3179455, MONDO:0009757, OMIM 257220.

Allele frequency attached by ClinVar (database versions not stated): gnomAD 0.00004; TOPMed 0.00006; ExAC 0.00008; 1000 Genomes Project 0.00020.
gnomAD v4.1: 50 of 1,614,172 alleles (0.0031%); highest among the groups gnomAD compares: South Asian, 0.044%; 1 homozygote.

Submissions (2):

Labcorp Genetics (formerly Invitae), Labcorp
Classification: Uncertain significance for Niemann-Pick disease, type C1. Last evaluated: 2022-07-19. Review status: criteria provided, single submitter. Criteria: Invitae Variant Classification Sherloc (09022015). Collection method: clinical testing. Allele origin: germline.
Comment: This sequence change replaces valine, which is neutral and non-polar, with methionine, which is neutral and non-polar, at codon 780 of the NPC1 protein (p.Val780Met). This variant is present in population databases (rs193182840, gnomAD 0.06%). This variant has not been reported in the literature in individuals affected with NPC1-related conditions. Advanced modeling of protein sequence and biophysical properties (such as structural, functional, and spatial information, amino acid conservation, physicochemical variation, residue mobility, and thermodynamic stability) performed at Invitae indicates that this missense variant is expected to disrupt NPC1 protein function. In summary, the available evidence is currently insufficient to determine the role of this variant in disease. Therefore, it has been classified as a Variant of Uncertain Significance.

Juno Genomics, Hangzhou Juno Genomics, Inc
Classification: Uncertain significance for Niemann-Pick disease, type C1. Review status: criteria provided, single submitter. Criteria: ACMG Guidelines, 2015. Collection method: clinical testing. Allele origin: germline.
Comment: Absent from controls (or at extremely low frequency if recessive) in Genome Aggregation Database.;Multiple lines of computational evidence support a deleterious effect on the gene or gene product.